The following is an entry in ClinVar:

ClinVar aggregate classification (germline): Uncertain significance (1 of 4 stars; one submission).

Submission:

Mayo Clinic Laboratories, Mayo Clinic
Classification: Uncertain significance. Last evaluated: 2025-10-22. Review status: criteria provided, single submitter. Criteria: ACMG Guidelines, 2015. Collection method: clinical testing. Allele origin: germline. Observed: 1 variant allele.
Comment: PM2_supporting

NM_000034.3:c.1087G>A

Gene: ALDOA (aldolase, fructose-bisphosphate A; plus strand).
Variant type: single nucleotide variant.
Other names: p.Ala363Thr.
Identifiers: ClinVar variation 4542026 (VCV004542026.1).